The following is an entry in ClinVar:

NM_018076.5(ODAD2):c.2593T>C (p.Cys865Arg)

Gene: ODAD2 (outer dynein arm docking complex subunit 2; minus strand). Cytogenetic location: 10p12.1.
Variant type: single nucleotide variant.
Coding change: c.2593T>C on transcript NM_018076.5 (MANE Select); coding-DNA position 2593, T replaced by C.
Protein change: p.Cys865Arg; replaces cysteine 865 with arginine.
Molecular consequence: missense variant.
Genome position (GRCh38, 1-based): chr10:27,907,680, A>G on the plus strand (T>C on the coding strand, the complement: ODAD2 is on the minus strand). VCF-style: chr10-27907680-A-G. GRCh37 (hg19) VCF-style: chr10-28196609-A-G.
Other names: c.2593T>C, p.Cys865Arg (NM_001290020.2); c.1168T>C, p.Cys390Arg (NM_001290021.2); c.1669T>C, p.Cys557Arg (NM_001312689.2); c.2593T>C (NM_018076.2); short protein forms C390R, C865R, C557R.
Identifiers: ClinVar variation 2149024 (VCV002149024.4), dbSNP rs756624052, ClinGen allele CA5453165.

ClinVar aggregate classification (germline): Uncertain significance. Review status: criteria provided, multiple submitters, no conflicts (2 of 4 stars). 3 submissions from 3 submitters: Uncertain significance (3). Last evaluated 2024-01-12.

Conditions:
Primary ciliary dyskinesia 23 (CILD23). Also called: CILIARY DYSKINESIA, PRIMARY, 23, WITH OR WITHOUT SITUS INVERSUS. Identifiers: Orphanet 244, MedGen C3809548, MONDO:0014193, OMIM 615451.
Primary ciliary dyskinesia. Also called: Ciliary dyskinesia. Identifiers: Orphanet 244, MedGen C0008780, MONDO:0016575, HP:0012265.

Allele frequency attached by ClinVar (database versions not stated): ExAC 0.00003; TOPMed 0.00005.
gnomAD v4.1: 160 of 1,613,512 alleles (0.0099%); highest among the groups gnomAD compares: Non-Finnish European, 0.012%; no homozygotes.

Submissions (3):

Blueprint Genetics
Classification: Uncertain significance. Last evaluated: 2024-01-12. Review status: criteria provided, single submitter. Criteria: ACMG Guidelines, 2015. Collection method: clinical testing. Allele origin: germline.

Ambry Genetics
Classification: Uncertain significance for Primary ciliary dyskinesia. Last evaluated: 2023-12-25. Review status: criteria provided, single submitter. Criteria: Ambry Variant Classification Scheme 2023. Collection method: clinical testing. Allele origin: germline.
Comment: The p.C865R variant (also known as c.2593T>C), located in coding exon 16 of the ARMC4 gene, results from a T to C substitution at nucleotide position 2593. The cysteine at codon 865 is replaced by arginine, an amino acid with highly dissimilar properties. This amino acid position is conserved. In addition, this alteration is predicted to be deleterious by in silico analysis. Since supporting evidence is limited at this time, the clinical significance of this alteration remains unclear.

Labcorp Genetics (formerly Invitae), Labcorp
Classification: Uncertain significance for Primary ciliary dyskinesia 23. Last evaluated: 2022-10-13. Review status: criteria provided, single submitter. Criteria: Invitae Variant Classification Sherloc (09022015). Collection method: clinical testing. Allele origin: germline.
Comment: This sequence change replaces cysteine, which is neutral and slightly polar, with arginine, which is basic and polar, at codon 865 of the ARMC4 protein (p.Cys865Arg). This variant is present in population databases (rs756624052, gnomAD 0.01%). This variant has not been reported in the literature in individuals affected with ARMC4-related conditions. Algorithms developed to predict the effect of missense changes on protein structure and function are either unavailable or do not agree on the potential impact of this missense change (SIFT: "Deleterious"; PolyPhen-2: "Probably Damaging"; Align-GVGD: "Class C0"). In summary, the available evidence is currently insufficient to determine the role of this variant in disease. Therefore, it has been classified as a Variant of Uncertain Significance.